The following is an entry in ClinVar:

NM_001114753.3(ENG):c.1646G>A (p.Cys549Tyr)

Genes: ENG (endoglin; minus strand), LOC102723566 (uncharacterized LOC102723566; plus strand). Cytogenetic location: 9q34.11.
Variant type: single nucleotide variant.
Coding change: c.1646G>A on transcript NM_001114753.3 (MANE Select); coding-DNA position 1646, G replaced by A.
Protein change: p.Cys549Tyr; replaces cysteine 549 with tyrosine.
Molecular consequence: missense variant.
Genome position (GRCh38, 1-based): chr9:127,818,160, C>T on the plus strand (G>A on the coding strand, the complement: ENG is on the minus strand). VCF-style: chr9-127818160-C-T. GRCh37 (hg19) VCF-style: chr9-130580439-C-T.
Other names: p.Cys549Tyr; c.1646G>A (NM_001114753.1); c.1646G>A, p.Cys549Tyr (NM_000118.4); c.1100G>A, p.Cys367Tyr (NM_001278138.2); short protein forms C549Y, C367Y.
Identifiers: ClinVar variation 407135 (VCV000407135.16), dbSNP rs1060501421, ClinGen allele CA500023.

ClinVar aggregate classification (germline): Pathogenic/Likely pathogenic. Review status: criteria provided, multiple submitters, no conflicts (2 of 4 stars). 4 submissions from 4 submitters: Pathogenic (2); Likely pathogenic (1). 1 of the submissions does not count toward it. Last evaluated 2026-04-16.

Conditions:
Hereditary hemorrhagic telangiectasia (HHT). Also called: ORW DISEASE; Osler Weber Rendu syndrome; OSLER-RENDU-WEBER DISEASE; Osler hemorrhagic telangiectasia syndrome. Identifiers: Orphanet 774, MedGen C0039445, MONDO:0019180. Disease mechanism: loss of function.
Cardiovascular phenotype. Identifiers: MedGen CN230736.

Submissions (4):

Ambry Genetics
Classification: Pathogenic for Cardiovascular phenotype. Last evaluated: 2026-04-16. Review status: criteria provided, single submitter. Criteria: Ambry Variant Classification Scheme 2023. Collection method: clinical testing. Allele origin: germline.
Comment: The p.C549Y pathogenic mutation (also known as c.1646G>A), located in coding exon 12 of the ENG gene, results from a G to A substitution at nucleotide position 1646. The cysteine at codon 549 is replaced by tyrosine, an amino acid with highly dissimilar properties. This variant was reported in individual(s) with features consistent with ENG-related hereditary hemorrhagic telangiectasia (Richards-Yutz J et al. Hum Genet, 2010 Jul;128:61-77; McDonald J et al. Clin Genet, 2011 Apr;79:335-44; Ambry internal data). This amino acid position is highly conserved in available vertebrate species. In addition, this alteration is predicted to be deleterious by in silico analysis. This variant is considered to be rare based on population cohorts in the Genome Aggregation Database (gnomAD). Based on the supporting evidence, this variant is interpreted as a disease-causing mutation.

Labcorp Genetics (formerly Invitae), Labcorp
Classification: Pathogenic for Hereditary hemorrhagic telangiectasia. Last evaluated: 2025-03-16. Review status: criteria provided, single submitter. Criteria: Invitae Variant Classification Sherloc (09022015). Collection method: clinical testing. Allele origin: germline.
Comment: This sequence change replaces cysteine, which is neutral and slightly polar, with tyrosine, which is neutral and polar, at codon 549 of the ENG protein (p.Cys549Tyr). This variant is not present in population databases (gnomAD no frequency). This missense change has been observed in individuals with hereditary hemorrhagic telangiectasia (HHT) (PMID: 20414677, 21158752; internal data). It has also been observed to segregate with disease in related individuals. ClinVar contains an entry for this variant (Variation ID: 407135). Invitae Evidence Modeling of protein sequence and biophysical properties (such as structural, functional, and spatial information, amino acid conservation, physicochemical variation, residue mobility, and thermodynamic stability) indicates that this missense variant is expected to disrupt ENG protein function with a positive predictive value of 95%. For these reasons, this variant has been classified as Pathogenic.

Mayo Clinic Laboratories, Mayo Clinic
Classification: Likely pathogenic. Last evaluated: 2022-08-11. Review status: criteria provided, single submitter. Criteria: ACMG Guidelines, 2015. Collection method: clinical testing. Allele origin: germline. Observed: 1 variant allele.
Comment: PP3, PM2_supporting, PS4_moderate

Genetic Services Laboratory, University of Chicago
Classification: Likely pathogenic. Last evaluated: 2022-12-19. Review status: no assertion criteria provided. Collection method: clinical testing. Allele origin: germline. Affected: yes. Not counted in ClinVar's aggregate classification.
Comment: DNA sequence analysis of the ENG gene demonstrated a sequence change, c.1646G>A, in exon 12 that results in an amino acid change, p.Cys549Tyr. This sequence change has not been described in population databases such as ExAC and gnomAD. The p.Cys549Tyr change affects a highly conserved amino acid residue located in a domain of the ENG protein that is known to be functional. The p.Cys549Tyr substitution appears to be deleterious using several in-silico pathogenicity prediction tools (SIFT, PolyPhen2, REVEL). This amino acid change has been described in the literature in two first degree affected relatives with epistaxis, pulmonary arteriovenous malformation (AVM) and telangiectasia (PMID: 21158752). It has also been reported in an individual with idiopathic pulmonary arterial hypertension (PMID: 35346192). This sequence change is likely pathogenic, however functional studies have not been performed to prove this conclusively.

Literature cited by the submitters: PubMed 20414677 (cited by 3 submitters); PubMed 21158752 (cited by 3 submitters); PubMed 28564608 (cited by Mayo Clinic Laboratories, Mayo Clinic); PubMed 35346192 (cited by Mayo Clinic Laboratories, Mayo Clinic).